The following is an entry in ClinVar:

ClinVar aggregate classification (germline): Likely pathogenic (0 of 4 stars; one submission).

Conditions:
Meckel syndrome, type 4 (MKS4). Also called: MECKEL-GRUBER SYNDROME, TYPE 4. Identifiers: Orphanet 564, MedGen C1970161, MONDO:0012626, OMIM 611134.

Submission:

Juha Muilu Group; Institute for Molecular Medicine Finland (FIMM)
Classification: Likely pathogenic for Meckel syndrome type 4. Review status: no assertion criteria provided. Collection method: not provided. Allele origin: unknown.
Comment: FinDis database variant: This variant was not found or characterized by our laboratory, data were collected from public sources: see reference
ClinVar note: Converted during submission from probable-pathogenic to Likely pathogenic.

NM_025114.4(CEP290):c.3446_3447del (p.Lys1149fs)

Gene: CEP290 (centrosomal protein 290; minus strand). Cytogenetic location: 12q21.32.
Variant type: Deletion.
Coding change: c.3446_3447del on transcript NM_025114.4 (MANE Select); coding-DNA positions 3446 to 3447, 2 bases deleted (AA; older notation c.3446_3447delAA).
Protein change: p.Lys1149fs; shifts the reading frame from lysine 1149.
Molecular consequence: frameshift variant.
Genome position (GRCh38, 1-based): chr12:88,092,695-88,092,696, TT deleted on the plus strand (AA on the coding strand, the reverse complement: CEP290 is on the minus strand); deleting any 2 consecutive bases within chr12:88,092,695-88,092,698 gives the same sequence; the c. name uses the placement nearest the transcript's 3' end. VCF-style (leftmost placement, unchanged base first): chr12-88092694-CTT-C. GRCh37 (hg19) VCF-style: chr12-88486471-CTT-C.
Other names: c.3446_3447delAA (NM_025114.3); short protein forms K1149fs.
Identifiers: ClinVar variation 56736 (VCV000056736.2), dbSNP rs386834155, ClinGen allele CA144394.
Genomic context (GRCh38, chr12:88,092,694, plus strand): 5'-AAGAAGATACATCTAGTCAAATGGCTAAAATGCTTATATGCACTTACTTTGACACTTCAA[CTT>C]TTAGTTCCATTTCATTCTTCTCTAATTCTAGAATCCGTTGCCTATCAGCATCACTTACTG-3'